The following is an entry in ClinVar:

NM_000815.5(GABRD):c.87C>T (p.Gly29=)

Gene: GABRD (gamma-aminobutyric acid type A receptor subunit delta; plus strand). Cytogenetic location: 1p36.33.
Variant type: single nucleotide variant.
Coding change: c.87C>T on transcript NM_000815.5 (MANE Select); coding-DNA position 87, C replaced by T.
Protein change: p.Gly29=; no amino-acid change (glycine 29 retained).
Molecular consequence: synonymous variant.
Genome position (GRCh38, 1-based): chr1:2,024,960, C>T. VCF-style: chr1-2024960-C-T. GRCh37 (hg19) VCF-style: chr1-1956399-C-T.
Identifiers: ClinVar variation 766897 (VCV000766897.35), dbSNP rs79685811, ClinGen allele CA534514.

ClinVar aggregate classification (germline): Benign/Likely benign. Review status: criteria provided, multiple submitters, no conflicts (2 of 4 stars). 3 submissions from 3 submitters: Benign (1); Likely benign (1). 1 of the submissions does not count toward it. Last evaluated 2026-06-01.

Conditions:
Idiopathic generalized epilepsy. Also called: EIG; Generalised epilepsy. Identifiers: MedGen C0270850, MONDO:0005579, OMIM 600669.
GABRD-related disorder. Also called: GABRD-related condition.

Allele frequency attached by ClinVar (database versions not stated): 1000 Genomes Project 30x 0.00047; gnomAD exomes 0.00071 and 0.00092; ExAC 0.00089; gnomAD 0.00102 and 0.00109; TOPMed 0.00104; ESP Exome Variant Server 0.00185; 1000 Genomes Project 0.00040.
gnomAD v4.1: 1,194 of 1,612,538 alleles (0.074%); highest among the groups gnomAD compares: Middle Eastern, 0.55%; 5 homozygotes.

Submissions (3):

CeGaT Center for Human Genetics Tuebingen
Classification: Likely benign. Last evaluated: 2026-06-01. Review status: criteria provided, single submitter. Criteria: CeGaT Center For Human Genetics Tuebingen Variant Classification Criteria Version 2. Collection method: clinical testing. Allele origin: germline. Affected: yes. Observed: 2 variant alleles.
Comment: GABRD: BP4, BP7

Labcorp Genetics (formerly Invitae), Labcorp
Classification: Benign for Idiopathic generalized epilepsy. Last evaluated: 2026-01-19. Review status: criteria provided, single submitter. Criteria: Invitae Variant Classification Sherloc (09022015). Collection method: clinical testing. Allele origin: germline.

PreventionGenetics, part of Exact Sciences
Classification: Likely benign for GABRD-related condition. Last evaluated: 2024-02-05. Review status: no assertion criteria provided. Collection method: clinical testing. Allele origin: germline. Not counted in ClinVar's aggregate classification.
Comment: This variant is classified as likely benign based on ACMG/AMP sequence variant interpretation guidelines (Richards et al. 2015 PMID: 25741868, with internal and published modifications).